The following is an entry in ClinVar:

NM_000548.5(TSC2):c.1258-10C>T

Gene: TSC2 (TSC complex subunit 2; plus strand). Cytogenetic location: 16p13.3.
Variant type: single nucleotide variant.
Coding change: c.1258-10C>T on transcript NM_000548.5 (MANE Select); 10 bases into the intron before coding-DNA position 1258, C replaced by T.
Molecular consequence: intron variant.
Genome position (GRCh38, 1-based): chr16:2,062,487, C>T. VCF-style: chr16-2062487-C-T. GRCh37 (hg19) VCF-style: chr16-2112488-C-T.
Other names: c.1258-10C>T (NM_001114382.3, NM_021055.3, NM_001370405.1 and 3 more transcripts); c.1147-10C>T (NM_001318827.2); c.658-10C>T (NM_001318831.2); c.1111-10C>T (NM_001318829.2); c.1291-10C>T (NM_001318832.2).
Identifiers: ClinVar variation 1087684 (VCV001087684.10), dbSNP rs794727093, ClinGen allele CA2499223280.
Genomic context (GRCh38, chr16:2,062,487, plus strand): 5'-CCAGCAGCCCAGTGTGGAGAAGGAGAGCGCCGGAGGGGCAGAGGGGCAACACCGGCTCTT[C>T]TTTTGACAGGAGTCCTCCCTCCTGAACCTGATCTCCTATAGAGCGCAGTCCATCCACCCG-3'

ClinVar aggregate classification (germline): Likely benign. Review status: criteria provided, multiple submitters, no conflicts (2 of 4 stars). 2 submissions from 2 submitters: Likely benign (2). Last evaluated 2025-05-13.

Conditions:
Tuberous sclerosis 2 (TSC2). Identifiers: Orphanet 805, MedGen C1860707, MONDO:0013199, OMIM 613254.

gnomAD v4.1: 1 of 1,605,992 alleles (0.000062%); highest among the groups gnomAD compares: South Asian, 0.0011%; no homozygotes.

Submissions (2):

Myriad Genetics, Inc.
Classification: Likely benign for Tuberous sclerosis 2. Last evaluated: 2025-05-13. Review status: criteria provided, single submitter. Criteria: Myriad Autosomal Dominant, Autosomal Recessive and X-Linked Classification Criteria (2023). Collection method: clinical testing. Allele origin: unknown.
Comment: This variant is considered likely benign. This variant is intronic and is not expected to impact mRNA splicing.

Labcorp Genetics (formerly Invitae), Labcorp
Classification: Likely benign for Tuberous sclerosis 2. Last evaluated: 2024-08-07. Review status: criteria provided, single submitter. Criteria: Invitae Variant Classification Sherloc (09022015). Collection method: clinical testing. Allele origin: germline.